The following is an entry in ClinVar:

ClinVar aggregate classification (germline): Likely benign. Review status: criteria provided, multiple submitters, no conflicts (2 of 4 stars). 3 submissions from 3 submitters: Likely benign (2). 1 of the submissions does not count toward it. Last evaluated 2024-12-04.

Conditions:
Cardiovascular phenotype. Identifiers: MedGen CN230736.
CBL-related disorder. Also called: NOONAN SYNDROME-LIKE DISORDER WITHOUT JUVENILE MYELOMONOCYTIC LEUKEMIA; CBL MUTATION-ASSOCIATED SYNDROME; CBL SYNDROME. Identifiers: Orphanet 363972, MedGen C3150803, MONDO:0013308, OMIM 613563.
RASopathy. Also called: rasopathies; Noonan spectrum disorder. Identifiers: Orphanet 536391, MedGen C5555857, MONDO:0021060.

Allele frequency attached by ClinVar (database versions not stated): gnomAD 0.00001; gnomAD exomes 0.00001 and 0.00004; ExAC 0.00003.
gnomAD v4.1: 22 of 1,614,028 alleles (0.0014%); highest among the groups gnomAD compares: South Asian, 0.0055%; no homozygotes.

Submissions (3):

Labcorp Genetics (formerly Invitae), Labcorp
Classification: Likely benign for RASopathy. Last evaluated: 2024-12-04. Review status: criteria provided, single submitter. Criteria: Invitae Variant Classification Sherloc (09022015). Collection method: clinical testing. Allele origin: germline.

Ambry Genetics
Classification: Likely benign for Cardiovascular phenotype. Last evaluated: 2023-03-07. Review status: criteria provided, single submitter. Criteria: Ambry Variant Classification Scheme 2023. Collection method: clinical testing. Allele origin: germline.

PreventionGenetics, part of Exact Sciences
Classification: Likely benign for CBL-related condition. Last evaluated: 2024-03-11. Review status: no assertion criteria provided. Collection method: clinical testing. Allele origin: germline. Not counted in ClinVar's aggregate classification.
Comment: This variant is classified as likely benign based on ACMG/AMP sequence variant interpretation guidelines (Richards et al. 2015 PMID: 25741868, with internal and published modifications).

NM_005188.4(CBL):c.2460C>T (p.Pro820=)

Gene: CBL (Cbl proto-oncogene; plus strand). Cytogenetic location: 11q23.3.
Variant type: single nucleotide variant.
Coding change: c.2460C>T on transcript NM_005188.4 (MANE Select); coding-DNA position 2460, C replaced by T.
Protein change: p.Pro820=; no amino-acid change (proline 820 retained).
Molecular consequence: synonymous variant.
Genome position (GRCh38, 1-based): chr11:119,299,520, C>T. VCF-style: chr11-119299520-C-T. GRCh37 (hg19) VCF-style: chr11-119170230-C-T.
Other names: c.2460C>T (NM_005188.2, NM_005188.3).
Identifiers: ClinVar variation 1145701 (VCV001145701.11), dbSNP rs774166893, ClinGen allele CA6318791.